The following is an entry in ClinVar:

NM_000046.5(ARSB):c.1196T>G (p.Phe399Cys)

Gene: ARSB (arylsulfatase B; minus strand). Cytogenetic location: 5q14.1.
Variant type: single nucleotide variant.
Coding change: c.1196T>G on transcript NM_000046.5 (MANE Select); coding-DNA position 1196, T replaced by G.
Protein change: p.Phe399Cys; replaces phenylalanine 399 with cysteine.
Molecular consequence: missense variant.
Genome position (GRCh38, 1-based): chr5:78,839,373, A>C on the plus strand (T>G on the coding strand, the complement: ARSB is on the minus strand). VCF-style: chr5-78839373-A-C. GRCh37 (hg19) VCF-style: chr5-78135196-A-C.
Other names: c.1196T>G, p.Phe399Cys (NM_198709.3); short protein forms F399C.
Identifiers: ClinVar variation 4537344 (VCV004537344.1).

ClinVar aggregate classification (germline): Uncertain significance (1 of 4 stars; one submission).

Submission:

Women's Health and Genetics/Laboratory Corporation of America, LabCorp
Classification: Uncertain significance. Last evaluated: 2025-11-18. Review status: criteria provided, single submitter. Criteria: LabCorp Variant Classification Summary - May 2015. Collection method: clinical testing. Allele origin: germline.
Comment: Variant summary: ARSB c.1196T>G (p.Phe399Cys) results in a non-conservative amino acid change in the encoded protein sequence. Algorithms developed to predict the effect of missense changes on protein structure and function all suggest that this variant is likely to be disruptive. The variant was absent in 251354 control chromosomes. The available data on variant occurrences in the general population are insufficient to allow any conclusion about variant significance. To our knowledge, no occurrence of c.1196T>G in individuals affected with ARSB-related conditions and no experimental evidence demonstrating its impact on protein function have been reported. A different variant affecting the same codon has been classified as likely pathogenic/pathogenic by our lab (c.1197C>G, &same_codon_pdot&), supporting the critical relevance of codon 399 to ARSB protein function. No submitters have cited clinical-significance assessments for this variant to ClinVar. Based on the evidence outlined above, the variant was classified as uncertain significance.